The following is an entry in ClinVar:

ClinVar aggregate classification (germline): Uncertain significance (1 of 4 stars; one submission).

Conditions:
Osteogenesis imperfecta type 8 (OI8). Identifiers: MedGen C1970458, MONDO:0012581, OMIM 610915.

Allele frequency attached by ClinVar (database versions not stated): TOPMed below 0.00001; gnomAD 0.00001; gnomAD exomes 0.00001.
gnomAD v4.1: 6 of 1,614,096 alleles (0.00037%); highest among the groups gnomAD compares: Admixed American, 0.0083%; no homozygotes.

Submission:

Labcorp Genetics (formerly Invitae), Labcorp
Classification: Uncertain significance for Osteogenesis imperfecta type 8. Last evaluated: 2021-08-24. Review status: criteria provided, single submitter. Criteria: Invitae Variant Classification Sherloc (09022015). Collection method: clinical testing. Allele origin: germline.
Comment: This sequence change replaces isoleucine with valine at codon 417 of the P3H1 protein (p.Ile417Val). The isoleucine residue is highly conserved and there is a small physicochemical difference between isoleucine and valine. This variant is not present in population databases (ExAC no frequency). This variant has not been reported in the literature in individuals affected with P3H1-related conditions. Algorithms developed to predict the effect of missense changes on protein structure and function (SIFT, PolyPhen-2, Align-GVGD) all suggest that this variant is likely to be tolerated. In summary, the available evidence is currently insufficient to determine the role of this variant in disease. Therefore, it has been classified as a Variant of Uncertain Significance.

NM_022356.4(P3H1):c.1249A>G (p.Ile417Val)

Gene: P3H1 (prolyl 3-hydroxylase 1; minus strand). Cytogenetic location: 1p34.2.
Variant type: single nucleotide variant.
Coding change: c.1249A>G on transcript NM_022356.4 (MANE Select); coding-DNA position 1249, A replaced by G.
Protein change: p.Ile417Val; replaces isoleucine 417 with valine.
Molecular consequence: missense variant.
Genome position (GRCh38, 1-based): chr1:42,754,965, T>C on the plus strand (A>G on the coding strand, the complement: P3H1 is on the minus strand). VCF-style: chr1-42754965-T-C. GRCh37 (hg19) VCF-style: chr1-43220636-T-C.
Other names: c.1249A>G, p.Ile417Val (NM_001146289.2, NM_001243246.2); short protein forms I417V.
Identifiers: ClinVar variation 1345168 (VCV001345168.5), dbSNP rs1389727493, ClinGen allele CA339957850.